The following is an entry in ClinVar:

NM_002641.4(PIGA):c.128A>G (p.Tyr43Cys)

Gene: PIGA (phosphatidylinositol glycan anchor biosynthesis class A; minus strand). Cytogenetic location: Xp22.2.
Variant type: single nucleotide variant.
Coding change: c.128A>G on transcript NM_002641.4 (MANE Select); coding-DNA position 128, A replaced by G.
Protein change: p.Tyr43Cys; replaces tyrosine 43 with cysteine.
Molecular consequence: missense variant. On other transcripts: non-coding transcript variant (2), intron variant (2).
Genome position (GRCh38, 1-based): chrX:15,331,803, T>C on the plus strand (A>G on the coding strand, the complement: PIGA is on the minus strand). VCF-style: chrX-15331803-T-C. GRCh37 (hg19) VCF-style: chrX-15349925-T-C.
Other names: c.128A>G, p.Tyr43Cys (NM_001440789.1); c.13+3698A>G (NM_020473.3); c.14-3490A>G (NM_001440790.1); short protein forms Y43C.
Identifiers: ClinVar variation 4528035 (VCV004528035.1).

ClinVar aggregate classification (germline): Uncertain significance (1 of 4 stars; one submission).

Submission:

GeneDx
Classification: Uncertain significance. Last evaluated: 2025-05-02. Review status: criteria provided, single submitter. Criteria: GeneDx Variant Classification Process June 2021. Collection method: clinical testing. Allele origin: germline. Affected: yes.
Comment: Not observed at significant frequency in large population cohorts (gnomAD); In silico analysis supports that this missense variant has a deleterious effect on protein structure/function; Has not been previously published as pathogenic or benign to our knowledge